The following is an entry in ClinVar:

NM_021939.3(FKBP10):c.-267G>A

Gene: FKBP10 (FKBP prolyl isomerase 10; plus strand). Cytogenetic location: 17q21.2.
Variant type: single nucleotide variant.
Coding change: c.-267G>A on transcript NM_021939.3; 267 bases upstream of the start codon, G replaced by A.
Genome position (GRCh38, 1-based): chr17:41,812,768, G>A. VCF-style: chr17-41812768-G-A. GRCh37 (hg19) VCF-style: chr17-39969020-G-A.
Identifiers: ClinVar variation 323177 (VCV000323177.9), dbSNP rs114527140, ClinGen allele CA10649216.
Genomic context (GRCh38, chr17:41,812,768, plus strand): 5'-TTCCCGAGCCTCTCTCCCTGGCCAGGCCCCAGGTCTCGCAGCCAGGGATGGAGATGGGGG[G>A]AGGGGGAACCTAGAGTTCTTTGTAGTGCCTCCCTCAGACTCTAACACACTCAGCCTGGCC-3'

ClinVar aggregate classification (germline): Likely benign. Review status: criteria provided, multiple submitters, no conflicts (2 of 4 stars). 2 submissions from 2 submitters: Likely benign (2). Last evaluated 2018-08-20.

Conditions:
Osteogenesis imperfecta type 11. Also called: OI, TYPE XI; Osteogenesis imperfecta, type XI. Identifiers: Orphanet 666, MedGen C3151218, MONDO:0012592, OMIM 610968.

Allele frequency attached by ClinVar (database versions not stated): 1000 Genomes Project 30x 0.00406; 1000 Genomes Project 0.00439; gnomAD 0.00556 and 0.00593; TOPMed 0.00638; gnomAD exomes 0.00067.

Submissions (2):

GeneDx
Classification: Likely benign. Last evaluated: 2018-08-20. Review status: criteria provided, single submitter. Criteria: GeneDx Variant Classification Process June 2021. Collection method: clinical testing. Allele origin: germline. Affected: yes.

Illumina Laboratory Services, Illumina
Classification: Likely benign for Osteogenesis imperfecta type 11. Last evaluated: 2018-01-12. Review status: criteria provided, single submitter. Criteria: ICSL Variant Classification Criteria 13 December 2019. Collection method: clinical testing. Allele origin: germline.
Comment: This variant was observed in the ICSL laboratory as part of a predisposition screen in an ostensibly healthy population. It had not been previously curated by ICSL or reported in the Human Gene Mutation Database (HGMD: prior to June 1st, 2018), and was therefore a candidate for classification through an automated scoring system. Utilizing variant allele frequency, disease prevalence and penetrance estimates, and inheritance mode, an automated score was calculated to assess if this variant is too frequent to cause the disease. Based on the score and internal cut-off values, a variant classified as likely benign is not then subjected to further curation. The score for this variant resulted in a classification of likely benign for this disease.